The following is an entry in ClinVar:

NM_005050.4(ABCD4):c.1597_1598del (p.Ser533fs)

Gene: ABCD4 (ATP binding cassette subfamily D member 4; minus strand). Cytogenetic location: 14q24.3.
Variant type: Microsatellite.
Coding change: c.1597_1598del on transcript NM_005050.4 (MANE Select); coding-DNA positions 1597 to 1598, 2 bases deleted (TC; older notation c.1597_1598delTC).
Protein change: p.Ser533fs; shifts the reading frame from serine 533.
Molecular consequence: frameshift variant. On other transcripts: non-coding transcript variant (10).
Genome position (GRCh38, 1-based): chr14:74,287,848-74,287,849, GA deleted on the plus strand (TC on the coding strand, the reverse complement: ABCD4 is on the minus strand); deleting any 2 consecutive bases within chr14:74,287,848-74,287,852 gives the same sequence; the c. name uses the placement nearest the transcript's 3' end. VCF-style (leftmost placement, unchanged base first): chr14-74287847-GGA-G. GRCh37 (hg19) VCF-style: chr14-74754550-GGA-G.
Other names: c.808_809del, p.Ser270fs (NM_001353607.2, NM_001353608.2, NM_001353609.2 and 5 more transcripts); c.864_865del, p.Pro289fs (NM_001353610.2); c.1465_1466CT[1], p.Ser490Leufs (NM_020323.1); c.1120_1121del, p.Ser374fs (NM_020324.3, NM_001353598.2, NM_001353599.2 and 2 more transcripts); c.1597_1598del, p.Ser533fs (NM_020325.3); c.1132_1133del, p.Ser378fs (NM_001353597.2); c.1471_1472del, p.Ser491fs (NM_001353591.2, NM_001353592.2); c.1336_1337del, p.Ser446fs (NM_001353593.2); and 2 more; short protein forms P289fs, S270fs, S374fs, S378fs, S395fs, S429fs, S446fs, S491fs.
Identifiers: ClinVar variation 2501162 (VCV002501162.1), dbSNP rs1390206641, ClinGen allele CA708469368.
Genomic context (GRCh38, chr14:74,287,847, plus strand): 5'-GCAGCCACAAGGCGAGACCTCACCTGCGTACTTCGGCTGCAGGTAGAAGAGTCGGGCAAA[GGA>G]GAGCCGTTGCATCTCCCCCGGGGACAGAACATCATACCTGAGGAAAGGTAGGAGAGAGGA-3'

ClinVar aggregate classification (germline): Likely pathogenic (1 of 4 stars; one submission).

Conditions:
Cobalamin C disease. Also called: Methylmalonic aciduria with homocystinuria cblC type; methylmalonic aciduria and homocystinuria type cblC; Cobalamin-C methylmalonic acidemia and homocystinuria; Methylmalonic acidemia and homocystinuria cblC type; Methylmalonic aciduria and homocystinuria, Vitamin B12-responsive; Vitamin B12 metabolic defect with combined deficiency of methylmalonyl-CoA mutase and homocysteine:methyltetrahydrofolate methyltransferase. Identifiers: Orphanet 26, Orphanet 79282, MedGen C1848561, MONDO:0010184, OMIM 277400.

Submission:

Women's Health and Genetics/Laboratory Corporation of America, LabCorp
Classification: Likely pathogenic for Cobalamin C disease. Last evaluated: 2023-03-23. Review status: criteria provided, single submitter. Criteria: LabCorp Variant Classification Summary - May 2015. Collection method: clinical testing. Allele origin: germline.
Comment: Variant summary: ABCD4 c.1597_1598delTC (p.Ser533LeufsX15) results in a premature termination codon, predicted to cause a truncation of the encoded protein or absence of the protein due to nonsense mediated decay, which are commonly known mechanisms for disease. The variant was absent in 249338 control chromosomes (gnomAD). To our knowledge, no occurrence of c.1597_1598delTC in individuals affected with Methylmalonic Acidemia With Homocystinuria and no experimental evidence demonstrating its impact on protein function have been reported. No clinical diagnostic laboratories have submitted clinical-significance assessments for this variant to ClinVar after 2014. Based on the evidence outlined above, the variant was classified as likely pathogenic.